The following is an entry in ClinVar:

ClinVar aggregate classification (germline): Benign (1 of 4 stars; one submission).

Allele frequency attached by ClinVar (database versions not stated): 1000 Genomes Project 30x 0.00625; ExAC 0.00813; ESP Exome Variant Server 0.00846; gnomAD 0.00851; TOPMed 0.00927; 1000 Genomes Project 0.00599.
gnomAD v4.1: 19,002 of 1,613,886 alleles (1.2%); highest among the groups gnomAD compares: Middle Eastern, 2.4%; 153 homozygotes.

Submissions (8):

CeGaT Center for Human Genetics Tuebingen
Classification: Benign. Last evaluated: 2023-11-01. Review status: criteria provided, single submitter. Criteria: CeGaT Center For Human Genetics Tuebingen Variant Classification Criteria Version 2. Collection method: clinical testing. Allele origin: germline. Affected: yes. Observed: 1 variant allele.
Comment: ADGRE1: BP4, BS1, BS2

Dr. Peter K. Rogan Lab, Western University
No classification provided (evidence only). Condition: Lung cancer. Review status: no classification provided. Collection method: in vitro. Allele origin: not applicable. Functional consequence: retained intron. Not counted in ClinVar's aggregate classification.

Dr. Peter K. Rogan Lab, Western University
No classification provided (evidence only). Condition: Acute myeloid leukemia. Review status: no classification provided. Collection method: in vitro. Allele origin: not applicable. Functional consequence: retained intron. Not counted in ClinVar's aggregate classification.

Dr. Peter K. Rogan Lab, Western University
No classification provided (evidence only). Condition: Acute myeloid leukemia. Review status: no classification provided. Collection method: in vitro. Allele origin: not applicable. Functional consequence: retained intron. Not counted in ClinVar's aggregate classification.

Dr. Peter K. Rogan Lab, Western University
No classification provided (evidence only). Condition: Acute myeloid leukemia. Review status: no classification provided. Collection method: in vitro. Allele origin: not applicable. Functional consequence: retained intron. Not counted in ClinVar's aggregate classification.

Dr. Peter K. Rogan Lab, Western University
No classification provided (evidence only). Condition: Thyroid cancer, nonmedullary, 1. Review status: no classification provided. Collection method: in vitro. Allele origin: not applicable. Functional consequence: retained intron. Not counted in ClinVar's aggregate classification.

Dr. Peter K. Rogan Lab, Western University
No classification provided (evidence only). Condition: Sarcoma. Review status: no classification provided. Collection method: in vitro. Allele origin: not applicable. Functional consequence: retained intron. Not counted in ClinVar's aggregate classification.

Dr. Peter K. Rogan Lab, Western University
No classification provided (evidence only). Condition: Lymphoma. Review status: no classification provided. Collection method: in vitro. Allele origin: not applicable. Functional consequence: retained intron. Not counted in ClinVar's aggregate classification.

NM_001974.5(ADGRE1):c.2289+47A>T

Gene: ADGRE1 (adhesion G protein-coupled receptor E1; plus strand). Cytogenetic location: 19p13.2.
Variant type: single nucleotide variant.
Coding change: c.2289+47A>T on transcript NM_001974.5 (MANE Select); 47 bases into the intron after coding-DNA position 2289, A replaced by T.
Molecular consequence: intron variant. On other transcripts: missense variant (1).
Genome position (GRCh38, 1-based): chr19:6,928,258, A>T. VCF-style: chr19-6928258-A-T. GRCh37 (hg19) VCF-style: chr19-6928269-A-T.
Other names: NC_000019.9:g.6928269A>T; c.2180A>T, p.Glu727Val (NM_001256252.2); c.2094+47A>T (NM_001256253.2); c.1758+47A>T (NM_001256255.2); c.1866+47A>T (NM_001256254.2); short protein forms E727V.
Identifiers: ClinVar variation 2672738 (VCV002672738.24), dbSNP rs140779395, ClinGen allele CA9133843.